The following is an entry in ClinVar:

NM_001367949.2(FAT3):c.13289G>A (p.Gly4430Asp)

Gene: FAT3 (FAT atypical cadherin 3; plus strand). Cytogenetic location: 11q14.3.
Variant type: single nucleotide variant.
Coding change: c.13289G>A on transcript NM_001367949.2 (MANE Select); coding-DNA position 13289, G replaced by A.
Protein change: p.Gly4430Asp; replaces glycine 4430 with aspartic acid.
Molecular consequence: missense variant.
Genome position (GRCh38, 1-based): chr11:92,890,632, G>A. VCF-style: chr11-92890632-G-A. GRCh37 (hg19) VCF-style: chr11-92623798-G-A.
Other names: c.13193G>A, p.Gly4398Asp (NM_001008781.3); short protein forms G4398D, G4430D.
Identifiers: ClinVar variation 2642288 (VCV002642288.24), dbSNP rs142403035, ClinGen allele CA6228755.

ClinVar aggregate classification (germline): Uncertain significance (1 of 4 stars; one submission).

Allele frequency attached by ClinVar (database versions not stated): 1000 Genomes Project 0.00100; 1000 Genomes Project 30x 0.00125; ESP Exome Variant Server 0.00168.
gnomAD v4.1: 3,054 of 1,613,814 alleles (0.19%); highest among the groups gnomAD compares: Non-Finnish European, 0.24%; 5 homozygotes.

Submission:

CeGaT Center for Human Genetics Tuebingen
Classification: Uncertain significance. Last evaluated: 2022-07-01. Review status: criteria provided, single submitter. Criteria: CeGaT Center For Human Genetics Tuebingen Variant Classification Criteria Version 2. Collection method: clinical testing. Allele origin: germline. Affected: yes. Observed: 1 variant allele.
Comment: FAT3: PP3